The following is an entry in ClinVar:

NM_181507.2(HPS5):c.516C>G (p.Ile172Met)

Gene: HPS5 (HPS5 biogenesis of lysosomal organelles complex 2 subunit 2; minus strand). Cytogenetic location: 11p15.1.
Variant type: single nucleotide variant.
Coding change: c.516C>G on transcript NM_181507.2 (MANE Select); coding-DNA position 516, C replaced by G.
Protein change: p.Ile172Met; replaces isoleucine 172 with methionine.
Molecular consequence: missense variant.
Genome position (GRCh38, 1-based): chr11:18,309,041, G>C on the plus strand (C>G on the coding strand, the complement: HPS5 is on the minus strand). VCF-style: chr11-18309041-G-C. GRCh37 (hg19) VCF-style: chr11-18330588-G-C.
Other names: c.516C>G, p.Ile172Met (NM_001440902.1, NM_001440903.1, NM_001440904.1 and 6 more transcripts); c.441C>G, p.Ile147Met (NM_001440907.1, NM_001440908.1, NM_001440909.1); c.405C>G, p.Ile135Met (NM_001440913.1, NM_001440914.1, NM_001440915.1); c.330C>G, p.Ile110Met (NM_001440918.1); c.174C>G, p.Ile58Met (NM_001440920.1, NM_001440921.1, NM_001440922.1 and 10 more transcripts); short protein forms I110M, I135M, I147M, I172M, I58M.
Identifiers: ClinVar variation 4621710 (VCV004621710.2).

ClinVar aggregate classification (germline): Uncertain significance. Review status: criteria provided, multiple submitters, no conflicts (2 of 4 stars). 2 submissions from 2 submitters: Uncertain significance (2). Last evaluated 2026-03-11.

Conditions:
HPS5-related disorder. Also called: HPS5-related condition.
Inborn genetic diseases. Identifiers: MedGen C0950123, MeSH D030342.

gnomAD v4.1: 8 of 1,613,828 alleles (0.0005%); highest among the groups gnomAD compares: African/African-American, 0.0053%; no homozygotes.

Submissions (2):

PreventionGenetics, part of Exact Sciences
Classification: Uncertain significance for HPS5-related condition. Last evaluated: 2026-03-11. Review status: criteria provided, single submitter. Criteria: ACMG Guidelines, 2015. Collection method: clinical testing. Allele origin: germline.
Comment: The HPS5 c.516C>G variant is predicted to result in the amino acid substitution p.Ile172Met. To our knowledge, this variant has not been reported in the literature. This variant is reported in 0.012% of alleles in individuals of African descent in gnomAD. At this time, the clinical significance of this variant is uncertain due to the absence of conclusive functional and genetic evidence.

Ambry Genetics
Classification: Uncertain significance for Inborn genetic diseases. Last evaluated: 2025-11-24. Review status: criteria provided, single submitter. Criteria: Ambry Variant Classification Scheme 2023. Collection method: clinical testing. Allele origin: germline.